The following is an entry in ClinVar:

NM_001297.5(CNGB1):c.3098T>G (p.Leu1033Trp)

Gene: CNGB1 (cyclic nucleotide gated channel subunit beta 1; minus strand). Cytogenetic location: 16q21.
Variant type: single nucleotide variant.
Coding change: c.3098T>G on transcript NM_001297.5 (MANE Select); coding-DNA position 3098, T replaced by G.
Protein change: p.Leu1033Trp; replaces leucine 1033 with tryptophan.
Molecular consequence: missense variant.
Genome position (GRCh38, 1-based): chr16:57,897,541, A>C on the plus strand (T>G on the coding strand, the complement: CNGB1 is on the minus strand). VCF-style: chr16-57897541-A-C. GRCh37 (hg19) VCF-style: chr16-57931445-A-C.
Other names: c.3098T>G (NM_001297.4); c.3080T>G, p.Leu1027Trp (NM_001286130.2); short protein forms L1027W, L1033W.
Identifiers: ClinVar variation 1484856 (VCV001484856.11), dbSNP rs779688908, ClinGen allele CA8082676.

ClinVar aggregate classification (germline): Uncertain significance. Review status: criteria provided, multiple submitters, no conflicts (2 of 4 stars). 4 submissions from 4 submitters: Uncertain significance (4). Last evaluated 2025-04-02.

Conditions:
Inborn genetic diseases. Identifiers: MedGen C0950123, MeSH D030342.
CNGB1-related disorder. Also called: CNGB1-related condition.

Allele frequency attached by ClinVar (database versions not stated): ExAC 0.00001; gnomAD 0.00001; gnomAD exomes 0.00001; TOPMed 0.00002.
gnomAD v4.1: 9 of 1,613,922 alleles (0.00056%); highest among the groups gnomAD compares: Admixed American, 0.01%; no homozygotes.

Submissions (4):

Ambry Genetics
Classification: Uncertain significance for Inborn genetic diseases. Last evaluated: 2025-04-02. Review status: criteria provided, single submitter. Criteria: Ambry Variant Classification Scheme 2023. Collection method: clinical testing. Allele origin: germline.

PreventionGenetics, part of Exact Sciences
Classification: Uncertain significance for CNGB1-related condition. Last evaluated: 2025-01-30. Review status: criteria provided, single submitter. Criteria: ACMG Guidelines, 2015. Collection method: clinical testing. Allele origin: germline.
Comment: The CNGB1 c.3098T>G variant is predicted to result in the amino acid substitution p.Leu1033Trp. To our knowledge, this variant has not been reported in the literature. This variant is reported in 0.0087% of alleles in individuals of Latino descent in gnomAD. At this time, the clinical significance of this variant is uncertain due to the absence of conclusive functional and genetic evidence.

Blueprint Genetics
Classification: Uncertain significance. Last evaluated: 2024-09-21. Review status: criteria provided, single submitter. Criteria: ACMG Guidelines, 2015. Collection method: clinical testing. Allele origin: germline.

Labcorp Genetics (formerly Invitae), Labcorp
Classification: Uncertain significance. Last evaluated: 2022-04-08. Review status: criteria provided, single submitter. Criteria: Invitae Variant Classification Sherloc (09022015). Collection method: clinical testing. Allele origin: germline.
Comment: In summary, the available evidence is currently insufficient to determine the role of this variant in disease. Therefore, it has been classified as a Variant of Uncertain Significance. Algorithms developed to predict the effect of missense changes on protein structure and function (SIFT, PolyPhen-2, Align-GVGD) all suggest that this variant is likely to be disruptive. This variant has not been reported in the literature in individuals affected with CNGB1-related conditions. This variant is present in population databases (rs779688908, gnomAD 0.01%). This sequence change replaces leucine, which is neutral and non-polar, with tryptophan, which is neutral and slightly polar, at codon 1033 of the CNGB1 protein (p.Leu1033Trp).